The following is an entry in ClinVar:

ClinVar aggregate classification (germline): Uncertain significance (1 of 4 stars; one submission).

Conditions:
Familial thoracic aortic aneurysm and aortic dissection (TAAD). Also called: Thoracic aortic aneurysms and dissections. Identifiers: Orphanet 91387, MedGen C4707243, MONDO:0019625.

Submission:

Labcorp Genetics (formerly Invitae), Labcorp
Classification: Uncertain significance for Familial thoracic aortic aneurysm and aortic dissection. Last evaluated: 2020-09-15. Review status: criteria provided, single submitter. Criteria: Invitae Variant Classification Sherloc (09022015). Collection method: clinical testing. Allele origin: germline.
Comment: Advanced modeling of protein sequence and biophysical properties (such as structural, functional, and spatial information, amino acid conservation, physicochemical variation, residue mobility, and thermodynamic stability) performed at Invitae indicates that this missense variant is expected to disrupt SMAD3 protein function. In summary, the available evidence is currently insufficient to determine the role of this variant in disease. Therefore, it has been classified as a Variant of Uncertain Significance. This variant has been observed in individual(s) with clinical features of SMAD3-related disease (PMID: 31915033). This variant is not present in population databases (ExAC no frequency). This sequence change replaces phenylalanine with leucine at codon 343 of the SMAD3 protein (p.Phe343Leu). The phenylalanine residue is highly conserved and there is a small physicochemical difference between phenylalanine and leucine.

Literature cited by the submitters: PubMed 31915033.

NM_005902.4(SMAD3):c.1029C>G (p.Phe343Leu)

Gene: SMAD3 (SMAD family member 3; plus strand). Cytogenetic location: 15q22.33.
Variant type: single nucleotide variant.
Coding change: c.1029C>G on transcript NM_005902.4 (MANE Select); coding-DNA position 1029, C replaced by G.
Protein change: p.Phe343Leu; replaces phenylalanine 343 with leucine.
Molecular consequence: missense variant.
Genome position (GRCh38, 1-based): chr15:67,187,384, C>G. VCF-style: chr15-67187384-C-G. GRCh37 (hg19) VCF-style: chr15-67479722-C-G.
Other names: c.714C>G, p.Phe238Leu (NM_001145102.2); c.897C>G, p.Phe299Leu (NM_001145103.2); c.444C>G, p.Phe148Leu (NM_001145104.2); short protein forms F148L, F238L, F299L, F343L.
Identifiers: ClinVar variation 1058213 (VCV001058213.7), dbSNP rs2140323430, ClinGen allele CA392958091.